The following is an entry in ClinVar:

NM_000038.6(APC):c.3259C>T (p.Leu1087Phe)

Gene: APC (APC regulator of Wnt signaling pathway; plus strand). Cytogenetic location: 5q22.2.
Variant type: single nucleotide variant.
Coding change: c.3259C>T on transcript NM_000038.6 (MANE Select); coding-DNA position 3259, C replaced by T.
Protein change: p.Leu1087Phe; replaces leucine 1087 with phenylalanine.
Molecular consequence: missense variant.
Genome position (GRCh38, 1-based): chr5:112,838,853, C>T. VCF-style: chr5-112838853-C-T. GRCh37 (hg19) VCF-style: chr5-112174550-C-T.
Other names: c.3259C>T, p.Leu1087Phe (NM_001127510.3, NM_001354895.2); c.3205C>T, p.Leu1069Phe (NM_001127511.3); c.3313C>T, p.Leu1105Phe (NM_001354896.2); c.3289C>T, p.Leu1097Phe (NM_001354897.2); c.3184C>T, p.Leu1062Phe (NM_001354898.2); c.3175C>T, p.Leu1059Phe (NM_001354899.2); c.3136C>T, p.Leu1046Phe (NM_001354900.2); c.3082C>T, p.Leu1028Phe (NM_001354901.2); and 5 more; short protein forms L1046F, L1097F, L1028F, L1062F, L804F, L927F, L961F, L986F.
Identifiers: ClinVar variation 801030 (VCV000801030.6), dbSNP rs1168552524, ClinGen allele CA16028486.

ClinVar aggregate classification (germline): Uncertain significance. Review status: criteria provided, multiple submitters, no conflicts (2 of 4 stars). 3 submissions from 3 submitters: Uncertain significance (3). Last evaluated 2024-03-10.

Conditions:
Familial adenomatous polyposis 1 (FAP1). Also called: POLYPOSIS, ADENOMATOUS INTESTINAL; FAMILIAL ADENOMATOUS POLYPOSIS 1, ATTENUATED. Identifiers: MedGen C2713442, MONDO:0021056, OMIM 175100. Disease mechanism: loss of function.

Allele frequency attached by ClinVar (database versions not stated): gnomAD exomes below 0.00001; TOPMed 0.00001.
gnomAD v4.1: 2 of 1,614,106 alleles (0.00012%); highest among the groups gnomAD compares: South Asian, 0.0011%; no homozygotes.

Submissions (3):

GeneDx
Classification: Uncertain significance. Last evaluated: 2024-03-10. Review status: criteria provided, single submitter. Criteria: GeneDx Variant Classification Process June 2021. Collection method: clinical testing. Allele origin: germline. Affected: yes.
Comment: Not observed at significant frequency in large population cohorts (gnomAD); In silico analysis supports that this missense variant does not alter protein structure/function; Has not been previously published as pathogenic or benign to our knowledge; This variant is associated with the following publications: (PMID: 18199528)

Labcorp Genetics (formerly Invitae), Labcorp
Classification: Uncertain significance for Familial adenomatous polyposis 1. Last evaluated: 2022-12-15. Review status: criteria provided, single submitter. Criteria: Invitae Variant Classification Sherloc (09022015). Collection method: clinical testing. Allele origin: germline.
Comment: Advanced modeling of protein sequence and biophysical properties (such as structural, functional, and spatial information, amino acid conservation, physicochemical variation, residue mobility, and thermodynamic stability) performed at Invitae indicates that this missense variant is not expected to disrupt APC protein function. In summary, the available evidence is currently insufficient to determine the role of this variant in disease. Therefore, it has been classified as a Variant of Uncertain Significance. This sequence change replaces leucine, which is neutral and non-polar, with phenylalanine, which is neutral and non-polar, at codon 1087 of the APC protein (p.Leu1087Phe). This variant is not present in population databases (gnomAD no frequency). This variant has not been reported in the literature in individuals affected with APC-related conditions. ClinVar contains an entry for this variant (Variation ID: 801030).

Quest Diagnostics Nichols Institute San Juan Capistrano
Classification: Uncertain significance. Last evaluated: 2019-07-28. Review status: criteria provided, single submitter. Criteria: Quest Diagnostics criteria. Collection method: clinical testing. Allele origin: germline.